The following is an entry in ClinVar:

ClinVar aggregate classification (germline): Uncertain significance (1 of 4 stars; one submission).

Allele frequency attached by ClinVar (database versions not stated): gnomAD 0.00001; ExAC 0.00004; TOPMed 0.00002.
gnomAD v4.1: 18 of 1,614,010 alleles (0.0011%); highest among the groups gnomAD compares: Middle Eastern, 0.066%; no homozygotes.

Submission:

Labcorp Genetics (formerly Invitae), Labcorp
Classification: Uncertain significance. Last evaluated: 2025-11-23. Review status: criteria provided, single submitter. Criteria: Invitae Variant Classification Sherloc (09022015). Collection method: clinical testing. Allele origin: germline.
Comment: This sequence change replaces valine, which is neutral and non-polar, with isoleucine, which is neutral and non-polar, at codon 1000 of the ATP1A1 protein (p.Val1000Ile). The frequency data for this variant in the population databases is considered unreliable, as metrics indicate poor data quality at this position in the gnomAD database. This variant has not been reported in the literature in individuals affected with ATP1A1-related conditions. ClinVar contains an entry for this variant (Variation ID: 2975989). Invitae Evidence Modeling of protein sequence and biophysical properties (such as structural, functional, and spatial information, amino acid conservation, physicochemical variation, residue mobility, and thermodynamic stability) indicates that this missense variant is not expected to disrupt ATP1A1 protein function with a negative predictive value of 95%. In summary, the available evidence is currently insufficient to determine the role of this variant in disease. Therefore, it has been classified as a Variant of Uncertain Significance.

NM_000701.8(ATP1A1):c.2998G>A (p.Val1000Ile)

Genes: ATP1A1 (ATPase Na+/K+ transporting subunit alpha 1; plus strand), ATP1A1-AS1 (ATP1A1 antisense RNA 1; minus strand). Cytogenetic location: 1p13.1.
Variant type: single nucleotide variant.
Coding change: c.2998G>A on transcript NM_000701.8 (MANE Select); coding-DNA position 2998, G replaced by A.
Protein change: p.Val1000Ile; replaces valine 1000 with isoleucine.
Molecular consequence: missense variant.
Genome position (GRCh38, 1-based): chr1:116,403,930, G>A. VCF-style: chr1-116403930-G-A. GRCh37 (hg19) VCF-style: chr1-116946552-G-A.
Other names: c.2998G>A, p.Val1000Ile (NM_001160233.2); c.2905G>A, p.Val969Ile (NM_001160234.2); short protein forms V1000I, V969I.
Identifiers: ClinVar variation 2975989 (VCV002975989.3), dbSNP rs753827120, ClinGen allele CA1025693.